The following is an entry in ClinVar:

NM_152756.5(RICTOR):c.-6G>A

Gene: RICTOR (RPTOR independent companion of MTOR complex 2; minus strand). Cytogenetic location: 5p13.1.
Variant type: single nucleotide variant.
Coding change: c.-6G>A on transcript NM_152756.5 (MANE Select); 6 bases upstream of the start codon, G replaced by A.
Molecular consequence: 5 prime UTR variant.
Genome position (GRCh38, 1-based): chr5:39,074,383, C>T on the plus strand (G>A on the coding strand, the complement: RICTOR is on the minus strand). VCF-style: chr5-39074383-C-T. GRCh37 (hg19) VCF-style: chr5-39074485-C-T.
Other names: c.-6G>A (NM_001285439.2, NM_001438007.1, NM_001438049.1 and 4 more transcripts); c.-859G>A (NM_001285440.2).
Identifiers: ClinVar variation 4083652 (VCV004083652.8).

ClinVar aggregate classification (germline): Likely benign (1 of 4 stars; one submission).

gnomAD v4.1: 5,161 of 1,539,092 alleles (0.34%); highest among the groups gnomAD compares: Non-Finnish European, 0.36%; 11 homozygotes.

Submission:

CeGaT Center for Human Genetics Tuebingen
Classification: Likely benign. Last evaluated: 2025-08-01. Review status: criteria provided, single submitter. Criteria: CeGaT Center For Human Genetics Tuebingen Variant Classification Criteria Version 2. Collection method: clinical testing. Allele origin: germline. Affected: yes. Observed: 1 variant allele.
Comment: RICTOR: BP4, BS2